The following is an entry in ClinVar:

ClinVar aggregate classification (germline): Uncertain significance (1 of 4 stars; one submission).

Conditions:
Hereditary cancer-predisposing syndrome. Also called: Neoplastic Syndromes, Hereditary; Tumor predisposition; Hereditary neoplastic syndrome; Hereditary Cancer Syndrome. Identifiers: Orphanet 140162, MedGen C0027672, MeSH D009386, MONDO:0015356.

Submission:

Ambry Genetics
Classification: Uncertain significance for Hereditary cancer-predisposing syndrome. Last evaluated: 2026-09-14. Review status: criteria provided, single submitter. Criteria: Ambry Variant Classification Scheme 2023. Collection method: clinical testing. Allele origin: germline.
Comment: The p.Q731H variant (also known as c.2193A>T), located in coding exon 4 of the MSH6 gene, results from an A to T substitution at nucleotide position 2193. The glutamine at codon 731 is replaced by histidine, an amino acid with highly similar properties. This amino acid position is well conserved in available vertebrate species. In addition, the in silico prediction for this alteration is inconclusive. Based on the available evidence, the clinical significance of this variant remains unclear.

NM_000179.3(MSH6):c.2193A>T (p.Gln731His)

Gene: MSH6 (mutS homolog 6; plus strand). Cytogenetic location: 2p16.3.
Variant type: single nucleotide variant.
Coding change: c.2193A>T on transcript NM_000179.3 (MANE Select); coding-DNA position 2193, A replaced by T.
Protein change: p.Gln731His; replaces glutamine 731 with histidine.
Molecular consequence: missense variant. On other transcripts: non-coding transcript variant (5), intron variant (2).
Genome position (GRCh38, 1-based): chr2:47,800,176, A>T. VCF-style: chr2-47800176-A-T. GRCh37 (hg19) VCF-style: chr2-48027315-A-T.
Other names: c.2193A>T, p.Gln731His (NM_001406800.1, NM_001406803.1, NM_001406808.1 and 3 more transcripts); c.1896A>T, p.Gln632His (NM_001406801.1, NM_001406805.1, NM_001406821.1 and 10 more transcripts); c.2289A>T, p.Gln763His (NM_001406802.1, NM_001406795.1); c.2115A>T, p.Gln705His (NM_001406804.1); c.1668A>T, p.Gln556His (NM_001406806.1, NM_001406807.1, NM_001406799.1); c.1287A>T, p.Gln429His (NM_001406823.1, NM_001406829.1, NM_001281493.2 and 6 more transcripts); c.2025A>T, p.Gln675His (NM_001406826.1); c.1803A>T, p.Gln601His (NM_001281492.2); and 3 more; short protein forms Q632H, Q556H, Q733H, Q601H, Q675H, Q705H, Q429H, Q731H.
Identifiers: ClinVar variation 5024943 (VCV005024943.1).